The following is an entry in ClinVar:

NM_001013736.3(FAM47C):c.353T>A (p.Val118Glu)

Gene: FAM47C (family with sequence similarity 47 member C; plus strand). Cytogenetic location: Xp21.1.
Variant type: single nucleotide variant.
Coding change: c.353T>A on transcript NM_001013736.3 (MANE Select); coding-DNA position 353, T replaced by A.
Protein change: p.Val118Glu; replaces valine 118 with glutamic acid.
Molecular consequence: missense variant.
Genome position (GRCh38, 1-based): chrX:37,008,763, T>A. VCF-style: chrX-37008763-T-A. GRCh37 (hg19) VCF-style: chrX-37026836-T-A.
Other names: short protein forms V118E.
Identifiers: ClinVar variation 2247287 (VCV002247287.27), dbSNP rs148624854, ClinGen allele CA10382561.

ClinVar aggregate classification (germline): Conflicting classifications of pathogenicity. Review status: criteria provided, conflicting classifications (1 of 4 stars). 2 submissions from 2 submitters: Uncertain significance (1); Likely benign (1). Last evaluated 2024-12-20.

Allele frequency attached by ClinVar (database versions not stated): ESP Exome Variant Server 0.00009; gnomAD 0.00016; ExAC 0.00017; TOPMed 0.00018; gnomAD exomes 0.00024.
gnomAD v4.1: 279 of 1,209,721 alleles (0.023%); highest among the groups gnomAD compares: Non-Finnish European, 0.03%; no homozygotes.

Submissions (2):

Ambry Genetics
Classification: Uncertain significance. Last evaluated: 2024-12-20. Review status: criteria provided, single submitter. Criteria: Ambry Variant Classification Scheme 2023. Collection method: clinical testing. Allele origin: germline.

CeGaT Center for Human Genetics Tuebingen
Classification: Likely benign. Last evaluated: 2022-12-01. Review status: criteria provided, single submitter. Criteria: CeGaT Center For Human Genetics Tuebingen Variant Classification Criteria Version 2. Collection method: clinical testing. Allele origin: germline. Affected: yes. Observed: 1 variant allele.
Comment: FAM47C: BS2